The following is an entry in ClinVar:

ClinVar aggregate classification (germline): Uncertain significance (1 of 4 stars; one submission).

Conditions:
Fanconi anemia (FA). Also called: Fanconi's anemia. Identifiers: Orphanet 84, MedGen C0015625, MeSH D005199, MONDO:0019391.

Submission:

Labcorp Genetics (formerly Invitae), Labcorp
Classification: Uncertain significance for Fanconi anemia. Last evaluated: 2022-03-27. Review status: criteria provided, single submitter. Criteria: Invitae Variant Classification Sherloc (09022015). Collection method: clinical testing. Allele origin: germline.
Comment: In summary, the available evidence is currently insufficient to determine the role of this variant in disease. Therefore, it has been classified as a Variant of Uncertain Significance. Algorithms developed to predict the effect of missense changes on protein structure and function (SIFT, PolyPhen-2, Align-GVGD) all suggest that this variant is likely to be tolerated. This variant has not been reported in the literature in individuals affected with FANCM-related conditions. This variant is not present in population databases (gnomAD no frequency). This sequence change replaces proline, which is neutral and non-polar, with threonine, which is neutral and polar, at codon 41 of the FANCM protein (p.Pro41Thr).

NM_020937.4(FANCM):c.121C>A (p.Pro41Thr)

Gene: FANCM (FA complementation group M; plus strand). Cytogenetic location: 14q21.2.
Variant type: single nucleotide variant.
Coding change: c.121C>A on transcript NM_020937.4 (MANE Select); coding-DNA position 121, C replaced by A.
Protein change: p.Pro41Thr; replaces proline 41 with threonine.
Molecular consequence: missense variant.
Genome position (GRCh38, 1-based): chr14:45,136,152, C>A. VCF-style: chr14-45136152-C-A. GRCh37 (hg19) VCF-style: chr14-45605355-C-A.
Other names: c.121C>A, p.Pro41Thr (NM_001308133.2, NM_001308134.2); short protein forms P41T.
Identifiers: ClinVar variation 2118201 (VCV002118201.4), dbSNP rs2503033486, ClinGen allele CA389587043.
Genomic context (GRCh38, chr14:45,136,152, plus strand): 5'-GGGACTCCGGGTTGCAGCTCCGGAACTGAGCGACCTCAGAGCCCTGGCAGCTCCAAGGCG[C>A]CTTTGCCAGCAGCAGCGGAGGCTCAGCTGGAGTCGGACGATGATGTGTTGCTTGTCGCGG-3'
Protein context (NP_065988.1, residues 31-51): RPQSPGSSKA[Pro41Thr]LPAAAEAQLE